The following is an entry in ClinVar:

NM_000290.4(PGAM2):c.505GAG[1] (p.Glu170del)

Genes: DBNL (drebrin like; plus strand), PGAM2 (phosphoglycerate mutase 2; minus strand), LOC129998341 (ATAC-STARR-seq lymphoblastoid active region 25924; plus strand). Cytogenetic location: 7p13.
Variant type: Microsatellite.
Coding change: c.505GAG[1] on transcript NM_000290.4 (MANE Select); one copy of the 3-base unit GAG starting at c.505; the reference has two copies in a row; one copy, 3 bases deleted.
Protein change: p.Glu170del; deletes glutamic acid 170.
Molecular consequence: 3 prime UTR variant (on NM_001014436.3).
Genome position (GRCh38, 1-based): chr7:44,064,917-44,064,919, CTC deleted on the plus strand (GAG on the coding strand, the reverse complement: PGAM2 is on the minus strand); deleting any 3 consecutive bases within chr7:44,064,917-44,064,922 gives the same sequence; the position shown is the placement nearest the transcript's 3' end. VCF-style (leftmost placement, unchanged base first): chr7-44064916-TCTC-T. GRCh37 (hg19) VCF-style: chr7-44104515-TCTC-T.
Other names: c.*4001CTC[1] (NM_001014436.3, NM_001122956.2, NM_001284313.2 and 3 more transcripts); short protein forms E170del.
Identifiers: ClinVar variation 3766589 (VCV003766589.1).
Genomic context (GRCh38, chr7:44,064,916, plus strand): 5'-GCAGGCTGTTCCCGTGGGCTGCAATGAGCACTCGCTTGCCGGCCTTGATCTGGGGAACAA[TCTC>T]CTCGTTCCAGAAGGGCAGGGCCCGGGCAATGGTGTCCTTGAGGCTCTCGCAGGTGGGGAG-3'

ClinVar aggregate classification (germline): Uncertain significance (1 of 4 stars; one submission).

Conditions:
Glycogen storage disease type X (GSD10). Also called: GSD X; MYOPATHY DUE TO PHOSPHOGLYCERATE MUTASE DEFICIENCY; PGAMM DEFICIENCY; PHOSPHOGLYCERATE MUTASE, MUSCLE, DEFICIENCY OF; Dimauro disease; Glycogen storage disease due to phosphoglycerate mutase deficiency. Identifiers: Orphanet 97234, MedGen C0268149, MONDO:0009865, OMIM 261670.

Submission:

ARUP Laboratories, Molecular Genetics and Genomics, ARUP Laboratories
Classification: Uncertain significance for Glycogen storage disease type X. Last evaluated: 2024-04-24. Review status: criteria provided, single submitter. Criteria: ARUP Molecular Germline Variant Investigation Process 2024. Collection method: clinical testing. Allele origin: germline.
Comment: The PGAM2 c.508_510del; p.Glu170del variant (rs746517644), to our knowledge, is not reported in the medical literature or gene specific databases. This variant is found in the general population with an allele frequency of 0.002% (5/277,614 alleles) in the Genome Aggregation Database (v2.1.1). This variant deletes a single glutamic acid residue leaving the rest of the protein in-frame. Due to limited information, the clinical significance of this variant is uncertain at this time.